The following is an entry in ClinVar:

ClinVar aggregate classification (germline): Uncertain significance. Review status: criteria provided, multiple submitters, no conflicts (2 of 4 stars). 2 submissions from 2 submitters: Uncertain significance (2). Last evaluated 2024-05-16.

Allele frequency attached by ClinVar (database versions not stated): ExAC 0.00001; gnomAD exomes 0.00001 and 0.00003; TOPMed 0.00002.
gnomAD v4.1: 9 of 1,603,580 alleles (0.00056%); highest among the groups gnomAD compares: Admixed American, 0.01%; no homozygotes.

Submissions (2):

Ambry Genetics
Classification: Uncertain significance. Last evaluated: 2024-05-16. Review status: criteria provided, single submitter. Criteria: Ambry Variant Classification Scheme 2023. Collection method: clinical testing. Allele origin: germline.

Labcorp Genetics (formerly Invitae), Labcorp
Classification: Uncertain significance. Last evaluated: 2024-01-15. Review status: criteria provided, single submitter. Criteria: Invitae Variant Classification Sherloc (09022015). Collection method: clinical testing. Allele origin: germline.
Comment: This sequence change replaces phenylalanine, which is neutral and non-polar, with tyrosine, which is neutral and polar, at codon 341 of the CCDC88A protein (p.Phe341Tyr). This variant is present in population databases (rs759871933, gnomAD 0.02%). This variant has not been reported in the literature in individuals affected with CCDC88A-related conditions. ClinVar contains an entry for this variant (Variation ID: 1509754). An algorithm developed to predict the effect of missense changes on protein structure and function (PolyPhen-2) suggests that this variant¬†is likely to be tolerated. In summary, the available evidence is currently insufficient to determine the role of this variant in disease. Therefore, it has been classified as a Variant of Uncertain Significance.

NM_001365480.1(CCDC88A):c.1022T>A (p.Phe341Tyr)

Gene: CCDC88A (coiled-coil domain containing 88A; minus strand). Cytogenetic location: 2p16.1.
Variant type: single nucleotide variant.
Coding change: c.1022T>A on transcript NM_001365480.1 (MANE Select); coding-DNA position 1022, T replaced by A.
Protein change: p.Phe341Tyr; replaces phenylalanine 341 with tyrosine.
Molecular consequence: missense variant.
Genome position (GRCh38, 1-based): chr2:55,346,194, A>T on the plus strand (T>A on the coding strand, the complement: CCDC88A is on the minus strand). VCF-style: chr2-55346194-A-T. GRCh37 (hg19) VCF-style: chr2-55573330-A-T.
Other names: c.1022T>A, p.Phe341Tyr (NM_001135597.2, NM_001254943.2, NM_018084.5); c.1022T>A (NM_001135597.1); short protein forms F341Y.
Identifiers: ClinVar variation 1509754 (VCV001509754.8), dbSNP rs759871933, ClinGen allele CA1666237.
Genomic context (GRCh38, chr2:55,346,194, plus strand): 5'-CACAGAAAAAAAAATCATGAATGGTTAATTATGCAACATACCTCAACTCTTGCCTTATAA[A>T]ATTCAATATCATGTAGTCTCTCTTTATATCTGCTGACTTCACTTTCAAGCTTATCGACTC-3'
Protein context (NP_001352409.1, residues 331-351): RYKERLHDIE[Phe341Tyr]YKARVEELKE